The following is an entry in ClinVar:

ClinVar aggregate classification (germline): Uncertain significance. Review status: criteria provided, multiple submitters, no conflicts (2 of 4 stars). 2 submissions from 2 submitters: Uncertain significance (2). Last evaluated 2025-12-21.

Conditions:
Wolfram syndrome 1 (WFS1). Identifiers: Orphanet 3463, MedGen C4551693, MONDO:0009101, OMIM 222300.

gnomAD v4.1: 1 of 1,583,248 alleles (0.000063%); highest among the groups gnomAD compares: Admixed American, 0.0018%; no homozygotes.

Submissions (2):

Dasa
Classification: Uncertain significance for Wolfram syndrome 1. Last evaluated: 2025-12-21. Review status: criteria provided, single submitter. Criteria: DASA Assertion Criteria. Collection method: clinical testing. Allele origin: germline.
Comment: NM_006005.3(WFS1):c.125G>C (p.Arg42Pro) is a missense variant that results in the substitution of arginine with proline. This variant is rare in population databases. The currently available literature and clinical evidence are not sufficient to establish a definitive association between this variant and the reported condition. Therefore, this variant is classified as a variant of uncertain significance.

GeneDx
Classification: Uncertain significance. Last evaluated: 2024-05-07. Review status: criteria provided, single submitter. Criteria: GeneDx Variant Classification Process June 2021. Collection method: clinical testing. Allele origin: germline. Affected: yes.
Comment: In silico analysis indicates that this missense variant does not alter protein structure/function; Has not been previously published as pathogenic or benign to our knowledge

NM_006005.3(WFS1):c.125G>C (p.Arg42Pro)

Gene: WFS1 (wolframin ER transmembrane glycoprotein; plus strand). Cytogenetic location: 4p16.1.
Variant type: single nucleotide variant.
Coding change: c.125G>C on transcript NM_006005.3 (MANE Select); coding-DNA position 125, G replaced by C.
Protein change: p.Arg42Pro; replaces arginine 42 with proline.
Molecular consequence: missense variant.
Genome position (GRCh38, 1-based): chr4:6,277,580, G>C. VCF-style: chr4-6277580-G-C. GRCh37 (hg19) VCF-style: chr4-6279307-G-C.
Other names: c.125G>C, p.Arg42Pro (NM_001145853.1); short protein forms R42P.
Identifiers: ClinVar variation 3375937 (VCV003375937.3).